The following is an entry in ClinVar:

NM_001034853.2(RPGR):c.2390_2408del (p.Glu797fs)

Gene: RPGR (retinitis pigmentosa GTPase regulator; minus strand). Cytogenetic location: Xp11.4.
Variant type: Deletion.
Coding change: c.2390_2408del on transcript NM_001034853.2 (MANE Select); coding-DNA positions 2390 to 2408, 19 bases deleted (AAGAGGAGGAAACAGAGGG).
Protein change: p.Glu797fs; shifts the reading frame from glutamic acid 797.
Molecular consequence: frameshift variant. On other transcripts: intron variant (8).
Genome position (GRCh38, 1-based): chrX:38,286,591-38,286,609, CCCTCTGTTTCCTCCTCTT deleted on the plus strand (AAGAGGAGGAAACAGAGGG on the coding strand, the reverse complement: RPGR is on the minus strand); deleting any 19 consecutive bases within chrX:38,286,591-38,286,612 gives the same sequence; the c. name uses the placement nearest the transcript's 3' end. VCF-style (leftmost placement, unchanged base first): chrX-38286590-CCCCTCTGTTTCCTCCTCTT-C. GRCh37 (hg19) VCF-style: chrX-38145843-CCCCTCTGTTTCCTCCTCTT-C.
Other names: c.1569+4350_1569+4368del (NM_001367249.1, NM_001367250.1); c.1902+485_1902+503del (NM_001367245.1); c.1386+4350_1386+4368del (NM_001367251.1); c.1719+485_1719+503del (NM_001367246.1); c.1572+4350_1572+4368del (NM_001367247.1); c.1905+485_1905+503del (NM_000328.3); c.1602+4350_1602+4368del (NM_001367248.1); short protein forms E797fs.
Identifiers: ClinVar variation 2016938 (VCV002016938.6), dbSNP rs2519791293, ClinGen allele CA2580100920.

ClinVar aggregate classification (germline): Pathogenic/Likely pathogenic. Review status: criteria provided, multiple submitters, no conflicts (2 of 4 stars). 2 submissions from 2 submitters: Pathogenic (1); Likely pathogenic (1). Last evaluated 2025-08-20.

Conditions:
Primary ciliary dyskinesia. Also called: Ciliary dyskinesia. Identifiers: Orphanet 244, MedGen C0008780, MONDO:0016575, HP:0012265.

Submissions (2):

Dasa
Classification: Likely pathogenic. Last evaluated: 2025-08-20. Review status: criteria provided, single submitter. Criteria: DASA Assertion Criteria. Collection method: clinical testing. Allele origin: germline.
Comment: NM_001034853.2(RPGR):c.2390_2408del (p.Glu797Glyfs*12) is a frameshift variant in RPGR predicted to alter the reading frame and introduce a premature termination codon and is predicted to result in an absent or altered protein product. Loss of function is an established disease mechanism for RPGR-associated disorders. Published studies describe this variant in association with related phenotype (PMID: 22264887). Also, this variant is absent from population databases. Based on the currently available evidence, this variant is classified as likely pathogenic.

Labcorp Genetics (formerly Invitae), Labcorp
Classification: Pathogenic for Primary ciliary dyskinesia. Last evaluated: 2022-07-14. Review status: criteria provided, single submitter. Criteria: Invitae Variant Classification Sherloc (09022015). Collection method: clinical testing. Allele origin: germline.
Comment: For these reasons, this variant has been classified as Pathogenic. This variant disrupts a region of the RPGR (ORF15) protein in which other variant(s) (p.Leu1130Lysfs*13) have been determined to be pathogenic (PMID: 22264887; Invitae). This suggests that this is a clinically significant region of the protein, and that variants that disrupt it are likely to be disease-causing. This variant has not been reported in the literature in individuals affected with RPGR (ORF15)-related conditions. This variant is not present in population databases (gnomAD no frequency). This sequence change creates a premature translational stop signal (p.Glu797Glyfs*12) in the RPGR (ORF15) gene. While this is not anticipated to result in nonsense mediated decay, it is expected to disrupt the last 356 amino acid(s) of the RPGR (ORF15) protein.

Literature cited by the submitters: PubMed 22264887 (cited by Dasa and Labcorp Genetics (formerly Invitae), Labcorp).